The following is an entry in ClinVar:

ClinVar aggregate classification (germline): Likely benign (1 of 4 stars; one submission).

Allele frequency attached by ClinVar (database versions not stated): gnomAD exomes below 0.00001 and 0.00002.
gnomAD v4.1: 32 of 1,613,442 alleles (0.002%); highest among the groups gnomAD compares: Non-Finnish European, 0.0025%; no homozygotes.

Submission:

Laboratory for Molecular Medicine, Mass General Brigham Personalized Medicine
Classification: Likely benign. Last evaluated: 2014-05-06. Review status: criteria provided, single submitter. Criteria: LMM Criteria. Collection method: clinical testing. Allele origin: germline. Observed: 1 variant allele.
Comment: Arg1549Cys in exon 9 of TRIOBP: This variant is not expected to have clinical s ignificance due to a lack of conservation across species, including mammals. Of note, two mammals (sheep and aardvark) have a cysteine (Cys) at this position. I n addition, computational prediction tools do not suggest a high likelihood of i mpact to the protein.

NM_001039141.3(TRIOBP):c.4645C>T (p.Arg1549Cys)

Gene: TRIOBP (TRIO and F-actin binding protein; plus strand). Cytogenetic location: 22q13.1.
Variant type: single nucleotide variant.
Coding change: c.4645C>T on transcript NM_001039141.3 (MANE Select); coding-DNA position 4645, C replaced by T.
Protein change: p.Arg1549Cys; replaces arginine 1549 with cysteine.
Molecular consequence: missense variant.
Genome position (GRCh38, 1-based): chr22:37,734,981, C>T. VCF-style: chr22-37734981-C-T. GRCh37 (hg19) VCF-style: chr22-38130988-C-T.
Other names: short protein forms R1549C.
Identifiers: ClinVar variation 179724 (VCV000179724.5), dbSNP rs727505081, ClinGen allele CA184998.
Genomic context (GRCh38, chr22:37,734,981, plus strand): 5'-TGGCACTCTGGGACACCCACTGCTGTGGGCTGGGGGGCAGAGGGAGCGTGTCCATACCCG[C>T]GTGGCTCTGAGAGGCGACCCGAGCTTGACTGGAGGGATCTGCTTGGCCTTCTCCGGGCAC-3'
Protein context (NP_001034230.1, residues 1539-1559): WGAEGACPYP[Arg1549Cys]GSERRPELDW